The following is an entry in ClinVar:

ClinVar aggregate classification (germline): Uncertain significance (1 of 4 stars; one submission).

gnomAD v4.1: 11 of 1,614,088 alleles (0.00068%); highest among the groups gnomAD compares: Non-Finnish European, 0.00093%; no homozygotes.

Submission:

Women's Health and Genetics/Laboratory Corporation of America, LabCorp
Classification: Uncertain significance. Last evaluated: 2024-12-04. Review status: criteria provided, single submitter. Criteria: LabCorp Variant Classification Summary - May 2015. Collection method: clinical testing. Allele origin: germline.
Comment: Variant summary: ABCC8 c.2087T>C (p.Leu696Pro) results in a non-conservative amino acid change in the encoded protein sequence. Five of five in-silico tools predict a damaging effect of the variant on protein function. The variant was absent in 250988 control chromosomes. The available data on variant occurrences in the general population are insufficient to allow any conclusion about variant significance. c.2087T>C has been reported in the literature in individuals affected with autosomal recessive focal congenital Familial Hyperinsulinism (example, Snider_2013). These data do not allow any conclusion about variant significance. To our knowledge, no experimental evidence demonstrating an impact on protein function has been reported. The following publication has been ascertained in the context of this evaluation (PMID: 23275527). No submitters have cited clinical-significance assessments for this variant to ClinVar. Based on the evidence outlined above, the variant was classified as uncertain significance.

Literature cited by the submitters: PubMed 23275527.

NM_000352.6(ABCC8):c.2087T>C (p.Leu696Pro)

Gene: ABCC8 (ATP binding cassette subfamily C member 8; minus strand). Cytogenetic location: 11p15.1.
Variant type: single nucleotide variant.
Coding change: c.2087T>C on transcript NM_000352.6 (MANE Select); coding-DNA position 2087, T replaced by C.
Protein change: p.Leu696Pro; replaces leucine 696 with proline.
Molecular consequence: missense variant. On other transcripts: non-coding transcript variant (1).
Genome position (GRCh38, 1-based): chr11:17,427,896, A>G on the plus strand (T>C on the coding strand, the complement: ABCC8 is on the minus strand). VCF-style: chr11-17427896-A-G. GRCh37 (hg19) VCF-style: chr11-17449443-A-G.
Other names: c.2087T>C, p.Leu696Pro (NM_001287174.3); c.2153T>C, p.Leu718Pro (NM_001351295.2); c.2084T>C, p.Leu695Pro (NM_001351296.2, NM_001351297.2); short protein forms L695P, L696P, L718P.
Identifiers: ClinVar variation 3768272 (VCV003768272.1).